The following is an entry in ClinVar:

NM_004329.3(BMPR1A):c.110_111insCCATGGCACTGGGAT (p.Ser37_Asp38insHisGlyThrGlyIle)

Gene: BMPR1A (bone morphogenetic protein receptor type 1A; plus strand). Cytogenetic location: 10q23.2.
Variant type: Insertion.
Coding change: c.110_111insCCATGGCACTGGGAT on transcript NM_004329.3 (MANE Select); coding-DNA positions 110 to 111, CCATGGCACTGGGAT inserted.
Protein change: p.Ser37_Asp38insHisGlyThrGlyIle.
Molecular consequence: inframe insertion.
Genome position: GRCh38 VCF-style: chr10-86890104-C-CCCATGGCACTGGGAT. GRCh37 (hg19) VCF-style: chr10-88649861-C-CCCATGGCACTGGGAT.
Identifiers: ClinVar variation 644978 (VCV000644978.1), dbSNP rs1589763343, ClinGen allele CA915947530.
Genomic context (GRCh38, chr10:86,890,104, plus strand): 5'-TTCCATATTTGAATGCAGGACAGAATCTGGATAGTATGCTTCATGGCACTGGGATGAAAT[C>CCCATGGCACTGGGAT]AGACTCCGACCAGAAAAAGTCAGAAAATGGAGTAACCTTAGCACCAGAGGATACCTTGCC-3'

ClinVar aggregate classification (germline): Pathogenic (1 of 4 stars; one submission).

Conditions:
Generalized juvenile polyposis/juvenile polyposis coli. Also called: Juvenile polyposis coli. Identifiers: Orphanet 329971, MedGen C1868081, MONDO:0008276.

Submission:

Labcorp Genetics (formerly Invitae), Labcorp
Classification: Pathogenic for Juvenile polyposis syndrome. Last evaluated: 2018-12-04. Review status: criteria provided, single submitter. Criteria: Invitae Variant Classification Sherloc (09022015). Collection method: clinical testing. Allele origin: germline.
Comment: This sequence change creates a premature translational stop signal (p.Asp38Hisfs*16) in the BMPR1A gene. It is expected to result in an absent or disrupted protein product. This variant is not present in population databases (ExAC no frequency). This variant has not been reported in the literature in individuals with BMPR1A-related disease. Loss-of-function variants in BMPR1A are known to be pathogenic (PMID: 11536076, 12417513). For these reasons, this variant has been classified as Pathogenic.